The following is an entry in ClinVar:

ClinVar aggregate classification (germline): Uncertain significance. Review status: criteria provided, multiple submitters, no conflicts (2 of 4 stars). 2 submissions from 2 submitters: Uncertain significance (2). Last evaluated 2024-12-16.

Conditions:
Gastrointestinal stromal tumor. Also called: Gastrointestinal stromal tumor, somatic; Gastrointestinal stroma tumor. Identifiers: Orphanet 44890, MedGen C0238198, MeSH D046152, MONDO:0011719, OMIM 606764, HP:0100723.
Hereditary cancer-predisposing syndrome. Also called: Tumor predisposition; Neoplastic Syndromes, Hereditary; Hereditary neoplastic syndrome; Hereditary Cancer Syndrome. Identifiers: Orphanet 140162, MedGen C0027672, MeSH D009386, MONDO:0015356.

Allele frequency attached by ClinVar (database versions not stated): gnomAD exomes below 0.00001.
gnomAD v4.1: 2 of 1,613,740 alleles (0.00012%); highest among the groups gnomAD compares: South Asian, 0.0022%; no homozygotes.

Submissions (2):

Ambry Genetics
Classification: Uncertain significance for Hereditary cancer-predisposing syndrome. Last evaluated: 2024-12-16. Review status: criteria provided, single submitter. Criteria: Ambry Variant Classification Scheme 2023. Collection method: clinical testing. Allele origin: germline.
Comment: The p.S251G variant (also known as c.751A>G), located in coding exon 4 of the KIT gene, results from an A to G substitution at nucleotide position 751. The serine at codon 251 is replaced by glycine, an amino acid with similar properties. This amino acid position is conserved. In addition, this alteration is predicted to be tolerated by in silico analysis. Based on the available evidence, the clinical significance of this variant remains unclear.

Labcorp Genetics (formerly Invitae), Labcorp
Classification: Uncertain significance for Gastrointestinal stromal tumor. Last evaluated: 2024-11-20. Review status: criteria provided, single submitter. Criteria: Invitae Variant Classification Sherloc (09022015). Collection method: clinical testing. Allele origin: germline.
Comment: This sequence change replaces serine, which is neutral and polar, with glycine, which is neutral and non-polar, at codon 251 of the KIT protein (p.Ser251Gly). This variant is not present in population databases (gnomAD no frequency). This variant has not been reported in the literature in individuals affected with KIT-related conditions. ClinVar contains an entry for this variant (Variation ID: 1052883). An algorithm developed to predict the effect of missense changes on protein structure and function outputs the following: PolyPhen-2: "Benign". The glycine amino acid residue is found in multiple mammalian species, which suggests that this missense change does not adversely affect protein function. In summary, the available evidence is currently insufficient to determine the role of this variant in disease. Therefore, it has been classified as a Variant of Uncertain Significance.

NM_000222.3(KIT):c.751A>G (p.Ser251Gly)

Gene: KIT (KIT proto-oncogene, receptor tyrosine kinase; plus strand). Cytogenetic location: 4q12.
Variant type: single nucleotide variant.
Coding change: c.751A>G on transcript NM_000222.3 (MANE Select); coding-DNA position 751, A replaced by G.
Protein change: p.Ser251Gly; replaces serine 251 with glycine.
Molecular consequence: missense variant.
Genome position (GRCh38, 1-based): chr4:54,699,761, A>G. VCF-style: chr4-54699761-A-G. GRCh37 (hg19) VCF-style: chr4-55565927-A-G.
Other names: c.751A>G, p.Ser251Gly (NM_001093772.2, NM_001385284.1, NM_001385285.1 and 4 more transcripts); c.751A>G (NM_000222.2); short protein forms S251G.
Identifiers: ClinVar variation 1052883 (VCV001052883.18), dbSNP rs2109679563, ClinGen allele CA356898683.